The following is an entry in ClinVar:

ClinVar aggregate classification (germline): Likely benign. Review status: criteria provided, multiple submitters, no conflicts (2 of 4 stars). 2 submissions from 2 submitters: Likely benign (2). Last evaluated 2018-06-16.

Allele frequency attached by ClinVar (database versions not stated): 1000 Genomes Project 0.02656; 1000 Genomes Project 30x 0.02826; gnomAD 0.03688 and 0.03802; TOPMed 0.03824.
gnomAD v4.1: 5,600 of 152,240 alleles (3.7%); highest among the groups gnomAD compares: African/African-American, 4.8%; 109 homozygotes.

Submissions (2):

GeneDx
Classification: Likely benign. Last evaluated: 2018-06-16. Review status: criteria provided, single submitter. Criteria: GeneDx Variant Classification (06012015). Collection method: clinical testing. Allele origin: germline. Affected: yes.
Comment: This variant is considered likely benign or benign based on one or more of the following criteria: it is a conservative change, it occurs at a poorly conserved position in the protein, it is predicted to be benign by multiple in silico algorithms, and/or has population frequency not consistent with disease.

Breakthrough Genomics
Classification: Likely benign. Review status: criteria provided, single submitter. Criteria: ACMG Guidelines, 2015. Collection method: not provided. Allele origin: germline. Inheritance: Autosomal recessive inheritance. Affected: yes.

NM_000070.3(CAPN3):c.1801-188A>G

Gene: CAPN3 (calpain 3; plus strand). Cytogenetic location: 15q15.1.
Variant type: single nucleotide variant.
Coding change: c.1801-188A>G on transcript NM_000070.3 (MANE Select); 188 bases into the intron before coding-DNA position 1801, A replaced by G.
Molecular consequence: intron variant.
Genome position (GRCh38, 1-based): chr15:42,408,023, A>G. VCF-style: chr15-42408023-A-G. GRCh37 (hg19) VCF-style: chr15-42700221-A-G.
Other names: c.1783-188A>G (NM_024344.2); c.1639-1280A>G (NM_173087.2); c.265-188A>G (NM_173088.2); c.-81-1280A>G (NM_173090.2, NM_173089.2).
Identifiers: ClinVar variation 680087 (VCV000680087.2), dbSNP rs16952474, ClinGen allele CA14169814.